The following is an entry in ClinVar:

NM_002691.4(POLD1):c.2173C>G (p.Arg725Gly)

Gene: POLD1 (DNA polymerase delta 1, catalytic subunit; plus strand). Cytogenetic location: 19q13.33.
Variant type: single nucleotide variant.
Coding change: c.2173C>G on transcript NM_002691.4 (MANE Select); coding-DNA position 2173, C replaced by G.
Protein change: p.Arg725Gly; replaces arginine 725 with glycine.
Molecular consequence: missense variant. On other transcripts: non-coding transcript variant (1).
Genome position (GRCh38, 1-based): chr19:50,413,444, C>G. VCF-style: chr19-50413444-C-G. GRCh37 (hg19) VCF-style: chr19-50916701-C-G.
Other names: c.2173C>G, p.Arg725Gly (NM_001256849.1); c.2251C>G, p.Arg751Gly (NM_001308632.1); short protein forms R725G, R751G.
Identifiers: ClinVar variation 1364084 (VCV001364084.8), dbSNP rs878854532, ClinGen allele CA406983501.

ClinVar aggregate classification (germline): Uncertain significance (1 of 4 stars; one submission).

Conditions:
POLD1-related polyposis and colorectal cancer syndrome (CRCS10). Also called: Colorectal cancer, susceptibility to, 10; Colorectal cancer 10; COLORECTAL CANCER, SUSCEPTIBILITY TO, ON CHROMOSOME 19q. Identifiers: Orphanet 220460, MedGen C2675481, MONDO:0012953, OMIM 612591.

Submission:

Labcorp Genetics (formerly Invitae), Labcorp
Classification: Uncertain significance for POLD1-related polyposis and colorectal cancer syndrome. Last evaluated: 2021-06-26. Review status: criteria provided, single submitter. Criteria: Invitae Variant Classification Sherloc (09022015). Collection method: clinical testing. Allele origin: germline.
Comment: In summary, the available evidence is currently insufficient to determine the role of this variant in disease. Therefore, it has been classified as a Variant of Uncertain Significance. Algorithms developed to predict the effect of missense changes on protein structure and function are either unavailable or do not agree on the potential impact of this missense change (SIFT: "Deleterious"; PolyPhen-2: "Probably Damaging"; Align-GVGD: "Class C0"). This sequence change replaces arginine with glycine at codon 725 of the POLD1 protein (p.Arg725Gly). The arginine residue is highly conserved and there is a moderate physicochemical difference between arginine and glycine. This variant is not present in population databases (ExAC no frequency). This variant has not been reported in the literature in individuals with POLD1-related conditions.